The following is an entry in ClinVar:

ClinVar aggregate classification (germline): Likely benign (1 of 4 stars; one submission).

gnomAD v4.1: 42,670 of 1,613,646 alleles (2.6%); highest among the groups gnomAD compares: East Asian, 4.5%; 708 homozygotes.

Submission:

GeneDx
Classification: Likely benign. Last evaluated: 2024-12-31. Review status: criteria provided, single submitter. Criteria: GeneDx Variant Classification Process June 2021. Collection method: clinical testing. Allele origin: germline. Affected: yes.
Comment: See Variant Classification Assertion Criteria.

NM_206808.5(CLYBL):c.775C>T (p.Arg259Ter)

Genes: CLYBL (citramalyl-CoA lyase; plus strand), CLYBL-AS3 (CLYBL antisense RNA 3; minus strand). Cytogenetic location: 13q32.3.
Variant type: single nucleotide variant.
Coding change: c.775C>T on transcript NM_206808.5 (MANE Select); coding-DNA position 775, C replaced by T.
Protein change: p.Arg259Ter; replaces arginine 259 with a stop codon.
Molecular consequence: nonsense. On other transcripts: non-coding transcript variant (1).
Genome position (GRCh38, 1-based): chr13:99,866,380, C>T. VCF-style: chr13-99866380-C-T. GRCh37 (hg19) VCF-style: chr13-100518634-C-T.
Other names: c.673C>T, p.Arg225Ter (NM_001393355.1, NM_001393360.1, NM_001393361.1 and 1 more transcripts); c.775C>T, p.Arg259Ter (NM_001393356.1, NM_001393357.1, NM_001393358.1 and 1 more transcripts); short protein forms R225*, R259*.
Identifiers: ClinVar variation 3907742 (VCV003907742.1).